The following is an entry in ClinVar:

ClinVar aggregate classification (germline): Likely pathogenic (0 of 4 stars; one submission).

Conditions:
PEX1-related disorder. Also called: PEX1-related condition.

Submission:

PreventionGenetics, part of Exact Sciences
Classification: Likely pathogenic for PEX1-related condition. Last evaluated: 2024-09-16. Review status: no assertion criteria provided. Collection method: clinical testing. Allele origin: germline.
Comment: The PEX1 c.3655C>T variant is predicted to result in premature protein termination (p.Gln1219*). To our knowledge, this variant has not been reported in the literature or in a large population database, indicating this variant is rare. Nonsense variants in PEX1 are expected to be pathogenic. This variant is interpreted as likely pathogenic.

NM_000466.3(PEX1):c.3655C>T (p.Gln1219Ter)

Genes: GATAD1 (GATA zinc finger domain containing 1; plus strand), PEX1 (peroxisomal biogenesis factor 1; minus strand). Cytogenetic location: 7q21.2.
Variant type: single nucleotide variant.
Coding change: c.3655C>T on transcript NM_000466.3 (MANE Select); coding-DNA position 3655, C replaced by T.
Protein change: p.Gln1219Ter; replaces glutamine 1219 with a stop codon.
Molecular consequence: nonsense.
Genome position (GRCh38, 1-based): chr7:92,489,405, G>A on the plus strand (C>T on the coding strand, the complement: PEX1 is on the minus strand). VCF-style: chr7-92489405-G-A. GRCh37 (hg19) VCF-style: chr7-92118719-G-A.
Other names: c.3484C>T, p.Gln1162Ter (NM_001282677.2); c.3031C>T, p.Gln1011Ter (NM_001282678.2); short protein forms Q1011*, Q1162*, Q1219*.
Identifiers: ClinVar variation 3344032 (VCV003344032.1).